The following is an entry in ClinVar:

ClinVar aggregate classification (germline): Conflicting classifications of pathogenicity. Review status: criteria provided, conflicting classifications (1 of 4 stars). 4 submissions from 4 submitters: Uncertain significance (3); Benign (1). Last evaluated 2024-09-10.

Conditions:
Cortical dysplasia-focal epilepsy syndrome (PTHSL1). Also called: Pitt-Hopkins-like syndrome 1. Identifiers: Orphanet 163681, Orphanet 221150, MedGen C2750246, MONDO:0012400, OMIM 610042.

Allele frequency attached by ClinVar (database versions not stated): ExAC 0.00001; gnomAD exomes 0.00001; gnomAD 0.00003; TOPMed 0.00003.
gnomAD v4.1: 11 of 1,613,742 alleles (0.00068%); highest among the groups gnomAD compares: Non-Finnish European, 0.00085%; no homozygotes.

Submissions (4):

Women's Health and Genetics/Laboratory Corporation of America, LabCorp
Classification: Uncertain significance. Last evaluated: 2024-09-10. Review status: criteria provided, single submitter. Criteria: LabCorp Variant Classification Summary - May 2015. Collection method: clinical testing. Allele origin: germline.
Comment: Variant summary: CNTNAP2 c.1896A>C (p.Thr632Thr) alters a conserved nucleotide located close to a canonical splice site and therefore could affect mRNA splicing, leading to a significantly altered protein sequence. Consensus agreement among computation tools predict no significant impact on normal splicing. However, these predictions have yet to be confirmed by functional studies. The variant allele was found at a frequency of 1.2e-05 in 251266 control chromosomes, predominantly at a frequency of 2.6e-05 within the Non-Finnish European subpopulation in the gnomAD database. The available data on variant occurrences in the general population are insufficient to allow any conclusion about variant significance. To our knowledge, no occurrence of c.1896A>C in individuals affected with Autism, Susceptibility To, 15 and no experimental evidence demonstrating its impact on protein function have been reported. ClinVar contains an entry for this variant (Variation ID: 593754). Based on the evidence outlined above, the variant was classified as uncertain significance.

Labcorp Genetics (formerly Invitae), Labcorp
Classification: Uncertain significance for Cortical dysplasia-focal epilepsy syndrome. Last evaluated: 2022-02-03. Review status: criteria provided, single submitter. Criteria: Invitae Variant Classification Sherloc (09022015). Collection method: clinical testing. Allele origin: germline.
Comment: In summary, the available evidence is currently insufficient to determine the role of this variant in disease. Therefore, it has been classified as a Variant of Uncertain Significance. Algorithms developed to predict the effect of sequence changes on RNA splicing suggest that this variant may disrupt the consensus splice site. ClinVar contains an entry for this variant (Variation ID: 593754). This variant has not been reported in the literature in individuals affected with CNTNAP2-related conditions. This variant is present in population databases (rs749646225, gnomAD 0.003%). This sequence change affects codon 632 of the CNTNAP2 mRNA. It is a 'silent' change, meaning that it does not change the encoded amino acid sequence of the CNTNAP2 protein. It affects a nucleotide within the consensus splice site.

Eurofins Ntd Llc (ga)
Classification: Uncertain significance. Last evaluated: 2017-08-21. Review status: criteria provided, single submitter. Criteria: EGL Classification Definitions 2015. Collection method: clinical testing. Allele origin: germline. Observed: 1 variant allele, 1 heterozygote.

GeneDx
Classification: Benign. Last evaluated: 2015-04-03. Review status: criteria provided, single submitter. Criteria: GeneDx Variant Classification Process June 2021. Collection method: clinical testing. Allele origin: germline. Affected: yes.

NM_014141.6(CNTNAP2):c.1896A>C (p.Thr632=)

Gene: CNTNAP2 (contactin associated protein 2; plus strand). Cytogenetic location: 7q35.
Variant type: single nucleotide variant.
Coding change: c.1896A>C on transcript NM_014141.6 (MANE Select); coding-DNA position 1896, A replaced by C.
Protein change: p.Thr632=; no amino-acid change (threonine 632 retained).
Molecular consequence: synonymous variant.
Genome position (GRCh38, 1-based): chr7:147,562,256, A>C. VCF-style: chr7-147562256-A-C. GRCh37 (hg19) VCF-style: chr7-147259348-A-C.
Identifiers: ClinVar variation 593754 (VCV000593754.16), dbSNP rs749646225, ClinGen allele CA4546228.